The following is an entry in ClinVar:

NM_000395.3(CSF2RB):c.1278C>T (p.Ser426=)

Gene: CSF2RB (colony stimulating factor 2 receptor subunit beta; plus strand). Cytogenetic location: 22q12.3.
Variant type: single nucleotide variant.
Coding change: c.1278C>T on transcript NM_000395.3 (MANE Select); coding-DNA position 1278, C replaced by T.
Protein change: p.Ser426=; no amino-acid change (serine 426 retained).
Molecular consequence: synonymous variant.
Genome position (GRCh38, 1-based): chr22:36,933,957, C>T. VCF-style: chr22-36933957-C-T. GRCh37 (hg19) VCF-style: chr22-37329999-C-T.
Other names: p.Ser426=.
Identifiers: ClinVar variation 226545 (VCV000226545.20), dbSNP rs1801117, ClinGen allele CA10213761.

ClinVar aggregate classification (germline): Benign. Review status: criteria provided, multiple submitters, no conflicts (2 of 4 stars). 6 submissions from 6 submitters: Benign (6). Last evaluated 2026-02-04.

Allele frequency attached by ClinVar (database versions not stated): 1000 Genomes Project 0.18790; gnomAD exomes 0.18907 and 0.21796; 1000 Genomes Project 30x 0.18957; ExAC 0.19598; gnomAD 0.20636 and 0.20878; TOPMed 0.20902; ESP Exome Variant Server 0.23066.
gnomAD v4.1: 350,079 of 1,612,486 alleles (22%); highest among the groups gnomAD compares: Middle Eastern, 24%; 39,782 homozygotes.

Submissions (15):

Labcorp Genetics (formerly Invitae), Labcorp
Classification: Benign. Last evaluated: 2026-02-04. Review status: criteria provided, single submitter. Criteria: Invitae Variant Classification Sherloc (09022015). Collection method: clinical testing. Allele origin: germline.

Blueprint Genetics
Classification: Benign. Last evaluated: 2024-11-28. Review status: criteria provided, single submitter. Criteria: ACMG Guidelines, 2015. Collection method: clinical testing. Allele origin: germline.

Mayo Clinic Laboratories, Mayo Clinic
Classification: Benign. Last evaluated: 2022-09-06. Review status: criteria provided, single submitter. Criteria: ACMG Guidelines, 2015. Collection method: clinical testing. Allele origin: germline. Observed: 5 variant alleles.

GeneDx
Classification: Benign. Last evaluated: 2019-02-21. Review status: criteria provided, single submitter. Criteria: GeneDx Variant Classification Process June 2021. Collection method: clinical testing. Allele origin: germline. Affected: yes.

Laboratory for Molecular Medicine, Mass General Brigham Personalized Medicine
Classification: Benign. Last evaluated: 2014-11-24. Review status: criteria provided, single submitter. Criteria: LMM Criteria. Collection method: clinical testing. Allele origin: germline. Observed: 18 variant alleles.
Comment: Ser426Ser in exon 10 of CSF2RB: This variant is not expected to have clinical si gnificance because it does not alter an amino acid residue and is not located wi thin the splice consensus sequence. It has been identified in 23.6% (1042/4406) of African American chromosomes from a broad population by the NHLBI Exome Seque ncing Project (dbSNP rs1801117).

Breakthrough Genomics
Classification: Benign. Review status: criteria provided, single submitter. Criteria: ACMG Guidelines, 2015. Collection method: not provided. Allele origin: germline. Inheritance: Autosomal recessive inheritance. Affected: yes.

Dr. Peter K. Rogan Lab, Western University
No classification provided (evidence only). Condition: Malignant lymphoma, large B-cell, diffuse. Review status: no classification provided. Collection method: in vitro. Allele origin: not applicable. Functional consequence: retained intron. Not counted in ClinVar's aggregate classification.

Dr. Peter K. Rogan Lab, Western University
No classification provided (evidence only). Condition: Malignant lymphoma, large B-cell, diffuse. Review status: no classification provided. Collection method: in vitro. Allele origin: not applicable. Functional consequence: retained intron. Not counted in ClinVar's aggregate classification.

Dr. Peter K. Rogan Lab, Western University
No classification provided (evidence only). Condition: Malignant lymphoma, large B-cell, diffuse. Review status: no classification provided. Collection method: in vitro. Allele origin: not applicable. Functional consequence: retained intron. Not counted in ClinVar's aggregate classification.

Dr. Peter K. Rogan Lab, Western University
No classification provided (evidence only). Condition: Malignant lymphoma, large B-cell, diffuse. Review status: no classification provided. Collection method: in vitro. Allele origin: not applicable. Functional consequence: retained intron. Not counted in ClinVar's aggregate classification.

Dr. Peter K. Rogan Lab, Western University
No classification provided (evidence only). Condition: Malignant lymphoma, large B-cell, diffuse. Review status: no classification provided. Collection method: in vitro. Allele origin: not applicable. Functional consequence: retained intron. Not counted in ClinVar's aggregate classification.

Dr. Peter K. Rogan Lab, Western University
No classification provided (evidence only). Condition: Malignant lymphoma, large B-cell, diffuse. Review status: no classification provided. Collection method: in vitro. Allele origin: not applicable. Functional consequence: retained intron. Not counted in ClinVar's aggregate classification.

Dr. Peter K. Rogan Lab, Western University
No classification provided (evidence only). Condition: Malignant lymphoma, large B-cell, diffuse. Review status: no classification provided. Collection method: in vitro. Allele origin: not applicable. Functional consequence: retained intron. Not counted in ClinVar's aggregate classification.

Dr. Peter K. Rogan Lab, Western University
No classification provided (evidence only). Condition: Malignant lymphoma, large B-cell, diffuse. Review status: no classification provided. Collection method: in vitro. Allele origin: not applicable. Functional consequence: retained intron. Not counted in ClinVar's aggregate classification.

Dr. Peter K. Rogan Lab, Western University
No classification provided (evidence only). Condition: Malignant lymphoma, large B-cell, diffuse. Review status: no classification provided. Collection method: in vitro. Allele origin: not applicable. Functional consequence: retained intron. Not counted in ClinVar's aggregate classification.